The following is an entry in ClinVar:

NM_001204.7(BMPR2):c.346del (p.Cys116fs)

Gene: BMPR2 (bone morphogenetic protein receptor type 2; plus strand). Cytogenetic location: 2q33.1.
Variant type: Deletion.
Coding change: c.346del on transcript NM_001204.7 (MANE Select); coding-DNA position 346, one base deleted (T; older notation c.346delT).
Protein change: p.Cys116fs; shifts the reading frame from cysteine 116.
Molecular consequence: frameshift variant.
Genome position (GRCh38, 1-based): chr2:202,467,617, T deleted. VCF-style (leftmost placement, unchanged base first): chr2-202467616-CT-C. GRCh37 (hg19) VCF-style: chr2-203332339-CT-C.
Other names: short protein forms C116fs.
Identifiers: ClinVar variation 1443330 (VCV001443330.6), dbSNP rs2105962353, ClinGen allele CA2573134353.

ClinVar aggregate classification (germline): Pathogenic (1 of 4 stars; one submission).

Conditions:
Primary pulmonary hypertension. Also called: Idiopathic pulmonary hypertension. Identifiers: MedGen C0152171.

Submission:

Labcorp Genetics (formerly Invitae), Labcorp
Classification: Pathogenic for Primary pulmonary hypertension. Last evaluated: 2021-06-13. Review status: criteria provided, single submitter. Criteria: Invitae Variant Classification Sherloc (09022015). Collection method: clinical testing. Allele origin: germline.
Comment: For these reasons, this variant has been classified as Pathogenic. This variant has not been reported in the literature in individuals with BMPR2-related conditions. This variant is not present in population databases (ExAC no frequency). This sequence change creates a premature translational stop signal (p.Cys116Alafs*36) in the BMPR2 gene. It is expected to result in an absent or disrupted protein product. Loss-of-function variants in BMPR2 are known to be pathogenic (PMID: 16429395).

Literature cited by the submitters: PubMed 16429395.